The following is an entry in ClinVar:

ClinVar aggregate classification (germline): Uncertain significance (1 of 4 stars; one submission).

Submission:

Labcorp Genetics (formerly Invitae), Labcorp
Classification: Uncertain significance. Last evaluated: 2023-08-10. Review status: criteria provided, single submitter. Criteria: Invitae Variant Classification Sherloc (09022015). Collection method: clinical testing. Allele origin: germline.
Comment: This sequence change replaces leucine, which is neutral and non-polar, with phenylalanine, which is neutral and non-polar, at codon 111 of the ADD3 protein (p.Leu111Phe). This variant is not present in population databases (gnomAD no frequency). This variant has not been reported in the literature in individuals affected with ADD3-related conditions. ClinVar contains an entry for this variant (Variation ID: 1715547). Advanced modeling of protein sequence and biophysical properties (such as structural, functional, and spatial information, amino acid conservation, physicochemical variation, residue mobility, and thermodynamic stability) performed at Invitae indicates that this missense variant is not expected to disrupt ADD3 protein function. In summary, the available evidence is currently insufficient to determine the role of this variant in disease. Therefore, it has been classified as a Variant of Uncertain Significance.

NM_016824.5(ADD3):c.331C>T (p.Leu111Phe)

Gene: ADD3 (adducin 3; plus strand). Cytogenetic location: 10q25.2.
Variant type: single nucleotide variant.
Coding change: c.331C>T on transcript NM_016824.5 (MANE Select); coding-DNA position 331, C replaced by T.
Protein change: p.Leu111Phe; replaces leucine 111 with phenylalanine.
Molecular consequence: missense variant.
Genome position (GRCh38, 1-based): chr10:110,112,912, C>T. VCF-style: chr10-110112912-C-T. GRCh37 (hg19) VCF-style: chr10-111872670-C-T.
Other names: c.331C>T, p.Leu111Phe (NM_001121.4, NM_001320591.2, NM_001320592.2 and 2 more transcripts); c.97C>T, p.Leu33Phe (NM_001320594.2); short protein forms L111F, L33F.
Identifiers: ClinVar variation 1715547 (VCV001715547.5), dbSNP rs2495796704, ClinGen allele CA378366359.